The following is an entry in ClinVar:

ClinVar aggregate classification (germline): Uncertain significance. Review status: criteria provided, multiple submitters, no conflicts (2 of 4 stars). 2 submissions from 2 submitters: Uncertain significance (2). Last evaluated 2025-11-12.

Conditions:
Inborn genetic diseases. Identifiers: MedGen C0950123, MeSH D030342.

Allele frequency attached by ClinVar (database versions not stated): ExAC 0.00005; gnomAD exomes below 0.00001; gnomAD 0.00003; ESP Exome Variant Server 0.00008; TOPMed 0.00005.
gnomAD v4.1: 11 of 1,546,162 alleles (0.00071%); highest among the groups gnomAD compares: African/African-American, 0.014%; no homozygotes.

Submissions (2):

Ambry Genetics
Classification: Uncertain significance for Inborn genetic diseases. Last evaluated: 2025-11-12. Review status: criteria provided, single submitter. Criteria: Ambry Variant Classification Scheme 2023. Collection method: clinical testing. Allele origin: germline.

Labcorp Genetics (formerly Invitae), Labcorp
Classification: Uncertain significance. Last evaluated: 2022-03-27. Review status: criteria provided, single submitter. Criteria: Invitae Variant Classification Sherloc (09022015). Collection method: clinical testing. Allele origin: germline.
Comment: In summary, the available evidence is currently insufficient to determine the role of this variant in disease. Therefore, it has been classified as a Variant of Uncertain Significance. Algorithms developed to predict the effect of missense changes on protein structure and function are either unavailable or do not agree on the potential impact of this missense change (SIFT: "Deleterious"; PolyPhen-2: "Probably Damaging"; Align-GVGD: "Class C0"). This variant has not been reported in the literature in individuals affected with OTOGL-related conditions. The frequency data for this variant in the population databases is considered unreliable, as metrics indicate poor data quality at this position in the gnomAD database. This sequence change replaces serine, which is neutral and polar, with proline, which is neutral and non-polar, at codon 2120 of the OTOGL protein (p.Ser2120Pro).

NM_001378609.3(OTOGL):c.6385T>C (p.Ser2129Pro)

Gene: OTOGL (otogelin like; plus strand). Cytogenetic location: 12q21.31.
Variant type: single nucleotide variant.
Coding change: c.6385T>C on transcript NM_001378609.3 (MANE Select); coding-DNA position 6385, T replaced by C.
Protein change: p.Ser2129Pro; replaces serine 2129 with proline.
Molecular consequence: missense variant.
Genome position (GRCh38, 1-based): chr12:80,367,614, T>C. VCF-style: chr12-80367614-T-C. GRCh37 (hg19) VCF-style: chr12-80761394-T-C.
Other names: c.6250T>C, p.Ser2084Pro (NM_001368062.3); c.6385T>C, p.Ser2129Pro (NM_001378610.3, NM_173591.7); c.6358T>C (NM_173591.3); short protein forms S2084P, S2129P.
Identifiers: ClinVar variation 2196865 (VCV002196865.3), dbSNP rs374792814, ClinGen allele CA6702032.